The following is an entry in ClinVar:

ClinVar aggregate classification (germline): Uncertain significance (1 of 4 stars; one submission).

Conditions:
Hereditary pancreatitis (PCTT). Also called: PRSS1-Related Hereditary Pancreatitis; Hereditary chronic pancreatitis. Identifiers: Orphanet 676, MedGen C0238339, MONDO:0008185, OMIM 167800.

Submission:

Ambry Genetics
Classification: Uncertain significance for Hereditary pancreatitis. Last evaluated: 2023-08-31. Review status: criteria provided, single submitter. Criteria: Ambry Variant Classification Scheme 2023. Collection method: clinical testing. Allele origin: germline.
Comment: The p.L148Q variant (also known as c.443T>A), located in coding exon 5 of the CTRC gene, results from a T to A substitution at nucleotide position 443. The leucine at codon 148 is replaced by glutamine, an amino acid with dissimilar properties. This amino acid position is not well conserved in available vertebrate species. In addition, this alteration is predicted to be tolerated by in silico analysis. Since supporting evidence is limited at this time, the clinical significance of this alteration remains unclear.

NM_007272.3(CTRC):c.443T>A (p.Leu148Gln)

Gene: CTRC (chymotrypsin C; plus strand). Cytogenetic location: 1p36.21.
Variant type: single nucleotide variant.
Coding change: c.443T>A on transcript NM_007272.3 (MANE Select); coding-DNA position 443, T replaced by A.
Protein change: p.Leu148Gln; replaces leucine 148 with glutamine.
Molecular consequence: missense variant.
Genome position (GRCh38, 1-based): chr1:15,443,505, T>A. VCF-style: chr1-15443505-T-A. GRCh37 (hg19) VCF-style: chr1-15770000-T-A.
Other names: short protein forms L148Q.
Identifiers: ClinVar variation 2626262 (VCV002626262.2), dbSNP rs2526297294, ClinGen allele CA338566202.
Genomic context (GRCh38, chr1:15,443,505, plus strand): 5'-CAGAGCATGTGGAGCTGAGTGACACCATCCAGGTGGCCTGCCTGCCAGAGAAGGACTCCC[T>A]GCTCCCCAAGGACTACCCCTGCTATGTCACCGGCTGGGGCCGCCTCTGGAGTGAGTATCG-3'
Protein context (NP_009203.2, residues 138-158): QVACLPEKDS[Leu148Gln]LPKDYPCYVT